The following is an entry in ClinVar:

NM_005219.5(DIAPH1):c.1971_1972delinsT (p.Leu657fs)

Gene: DIAPH1 (diaphanous related formin 1; minus strand). Cytogenetic location: 5q31.3.
Variant type: Indel.
Coding change: c.1971_1972delinsT on transcript NM_005219.5 (MANE Select); coding-DNA positions 1971 to 1972, GC replaced by T.
Protein change: p.Leu657fs; shifts the reading frame from leucine 657.
Molecular consequence: frameshift variant.
Genome position (GRCh38, 1-based): chr5:141,573,878-141,573,879, GC replaced by A on the plus strand (GC replaced by T on the coding strand, the reverse complement: DIAPH1 is on the minus strand). VCF-style: chr5-141573878-GC-A. GRCh37 (hg19) VCF-style: chr5-140953445-GC-A.
Other names: c.1944_1945delinsT, p.Leu648fs (NM_001079812.3); c.1971_1972delinsT, p.Leu657fs (NM_001314007.2); short protein forms L657fs, L648fs.
Identifiers: ClinVar variation 419689 (VCV000419689.1), dbSNP rs1064794044, ClinGen allele CA16618132.

ClinVar aggregate classification (germline): Pathogenic (1 of 4 stars; one submission).

Submission:

GeneDx
Classification: Pathogenic. Last evaluated: 2015-08-06. Review status: criteria provided, single submitter. Criteria: GeneDx Variant Classification (06012015). Collection method: clinical testing. Allele origin: germline. Affected: yes.
Comment: The c.1971_1972delGCinsT variant in the DIAPH1 gene has not been reported previously as a pathogenic variant nor as a benign polymorphism, to our knowledge. The c.1971_1972delGCinsT variant causes a frameshift starting with codon Leucine 657, changes this amino acid to a Phenylalanine residue, and creates a premature Stop codon at position 111 of the new reading frame, denoted p.Leu657PhefsX111. This variant is predicted to cause loss of normal protein function either through protein truncation or nonsense-mediated mRNA decay. The c.1971_1972delGCinsT substitution was not observed in approximately 6000 individuals of European and African American ancestry in the NHLBI Exome Sequencing Project, indicating it is not a common benign variant in these populations. We interpret c.1971_1972delGCinsT as a pathogenic variant.